The following is an entry in ClinVar:

ClinVar aggregate classification (germline): Uncertain significance (1 of 4 stars; one submission).

gnomAD v4.1: 2 of 1,207,937 alleles (0.00017%); highest among the groups gnomAD compares: Non-Finnish European, 0.00022%; no homozygotes.

Submission:

Labcorp Genetics (formerly Invitae), Labcorp
Classification: Uncertain significance. Last evaluated: 2024-08-05. Review status: criteria provided, single submitter. Criteria: Invitae Variant Classification Sherloc (09022015). Collection method: clinical testing. Allele origin: germline.
Comment: This sequence change replaces glutamine, which is neutral and polar, with glutamic acid, which is acidic and polar, at codon 1108 of the STAG2 protein (p.Gln1108Glu). This variant is present in population databases (rs781199928, gnomAD 0.001%). This variant has not been reported in the literature in individuals affected with STAG2-related conditions. An algorithm developed to predict the effect of missense changes on protein structure and function (PolyPhen-2) suggests that this variant is likely to be tolerated. In summary, the available evidence is currently insufficient to determine the role of this variant in disease. Therefore, it has been classified as a Variant of Uncertain Significance.

NM_001042750.2(STAG2):c.3322C>G (p.Gln1108Glu)

Gene: STAG2 (STAG2 cohesin complex component; plus strand). Cytogenetic location: Xq25.
Variant type: single nucleotide variant.
Coding change: c.3322C>G on transcript NM_001042750.2 (MANE Select); coding-DNA position 3322, C replaced by G.
Protein change: p.Gln1108Glu; replaces glutamine 1108 with glutamic acid.
Molecular consequence: missense variant.
Genome position (GRCh38, 1-based): chrX:124,090,619, C>G. VCF-style: chrX-124090619-C-G. GRCh37 (hg19) VCF-style: chrX-123224469-C-G.
Other names: c.3322C>G, p.Gln1108Glu (NM_001042749.2, NM_001042751.2, NM_001282418.2 and 13 more transcripts); short protein forms Q1108E.
Identifiers: ClinVar variation 3656739 (VCV003656739.2).